The following is an entry in ClinVar:

NM_001349253.2(SCN11A):c.694_697del (p.Ala232fs)

Gene: SCN11A (sodium voltage-gated channel alpha subunit 11; minus strand). Cytogenetic location: 3p22.2.
Variant type: Deletion.
Coding change: c.694_697del on transcript NM_001349253.2 (MANE Select); coding-DNA positions 694 to 697, 4 bases deleted (GCAA; older notation c.694_697delGCAA).
Protein change: p.Ala232fs; shifts the reading frame from alanine 232.
Molecular consequence: frameshift variant.
Genome position (GRCh38, 1-based): chr3:38,925,430-38,925,433, TTGC deleted on the plus strand (GCAA on the coding strand, the reverse complement: SCN11A is on the minus strand); deleting any 4 consecutive bases within chr3:38,925,430-38,925,435 gives the same sequence; the c. name uses the placement nearest the transcript's 3' end. VCF-style (leftmost placement, unchanged base first): chr3-38925429-ATTGC-A. GRCh37 (hg19) VCF-style: chr3-38966920-ATTGC-A.
Other names: c.694_697del, p.Ala232fs (NM_014139.3); short protein forms A232fs.
Identifiers: ClinVar variation 3761714 (VCV003761714.2).
Genomic context (GRCh38, chr3:38,925,429, plus strand): 5'-CATTCTTTCTAGATAGGAGCCAGTGTGGAAAGTGAGAGTGACTTACGTGAAACTACTGAA[ATTGC>A]TTTCAAAGCTCTGAACACACGGAAGGTACGCAGGGGCAATAGTTTGATGGTGATTCCTGG-3'

ClinVar aggregate classification (germline): Uncertain significance (1 of 4 stars; one submission).

Conditions:
Hereditary sensory and autonomic neuropathy type 7. Also called: HSAN VII; Neuropathy, hereditary sensory and autonomic, type VII. Identifiers: Orphanet 391397, MedGen C3809882, MONDO:0014244, OMIM 615548.
Familial episodic pain syndrome with predominantly lower limb involvement. Also called: Episodic pain syndrome, familial, 3. Identifiers: Orphanet 391384, Orphanet 391392, MedGen C3809899, MONDO:0014247, OMIM 615552.

Submission:

Labcorp Genetics (formerly Invitae), Labcorp
Classification: Uncertain significance for Familial episodic pain syndrome with predominantly lower limb involvement; Hereditary sensory and autonomic neuropathy type 7. Last evaluated: 2024-02-16. Review status: criteria provided, single submitter. Criteria: Invitae Variant Classification Sherloc (09022015). Collection method: clinical testing. Allele origin: germline.
Comment: This sequence change creates a premature translational stop signal (p.Ala232Phefs*3) in the SCN11A gene. It is expected to result in an absent or disrupted protein product. However, the current clinical and genetic evidence is not sufficient to establish whether loss-of-function variants in SCN11A cause disease. This variant is not present in population databases (gnomAD no frequency). This variant has not been reported in the literature in individuals affected with SCN11A-related conditions. Algorithms developed to predict the effect of sequence changes on RNA splicing suggest that this variant may disrupt the consensus splice site. In summary, the available evidence is currently insufficient to determine the role of this variant in disease. Therefore, it has been classified as a Variant of Uncertain Significance.